The following is an entry in ClinVar:

NM_000059.4(BRCA2):c.451_454dup (p.Thr152fs)

Gene: BRCA2 (BRCA2 DNA repair associated; plus strand). Cytogenetic location: 13q13.1.
Variant type: Duplication.
Coding change: c.451_454dup on transcript NM_000059.4 (MANE Select); coding-DNA positions 451 to 454, 4 bases duplicated (GTAA; older notation c.451_454dupGTAA).
Protein change: p.Thr152fs; shifts the reading frame from threonine 152.
Molecular consequence: frameshift variant.
Genome position (GRCh38, 1-based): chr13:32,326,126-32,326,129, GTAA duplicated. VCF-style (leftmost placement, unchanged base first): chr13-32326125-T-TGTAA. GRCh37 (hg19) VCF-style: chr13-32900262-T-TGTAA.
Other names: c.451_454dup, p.Thr152Serfs (NM_001406719.1, NM_001406720.1, NM_001406721.1); c.82_85dup, p.Thr29Serfs (NM_001406722.1); c.451_454dupGTAA (NM_000059.3); short protein forms T152fs.
Identifiers: ClinVar variation 1741121 (VCV001741121.5), dbSNP rs2548514936, ClinGen allele CA2580087002.
Genomic context (GRCh38, chr13:32,326,125, plus strand): 5'-AAAATAACCTAAGGGATTTGCTTTGTTTTATTTTAGTCCTGTTGTTCTACAATGTACACA[T>TGTAA]GTAACACCACAAAGAGATAAGTCAGGTATGATTAAAAACAATGCTTTTTATTCTTAGAAT-3'

ClinVar aggregate classification (germline): Pathogenic. Review status: criteria provided, multiple submitters, no conflicts (2 of 4 stars). 2 submissions from 2 submitters: Pathogenic (2). Last evaluated 2024-07-15.

Conditions:
Hereditary cancer-predisposing syndrome. Also called: Hereditary Cancer Syndrome; Hereditary neoplastic syndrome; Neoplastic Syndromes, Hereditary; Tumor predisposition. Identifiers: Orphanet 140162, MedGen C0027672, MeSH D009386, MONDO:0015356.
Hereditary breast ovarian cancer syndrome. Also called: Hereditary breast and ovarian cancer syndrome (HBOC); Hereditary breast and ovarian cancer syndrome; Breast and ovarian cancer; Hereditary breast and/or ovarian cancer syndrome; Hereditary breast and ovarian cancer; BRCA1- and BRCA2-Associated Hereditary Breast and Ovarian Cancer. Identifiers: Orphanet 145, MedGen C0677776, MeSH D061325, MONDO:0003582. Disease mechanism: loss of function.

Submissions (2):

Labcorp Genetics (formerly Invitae), Labcorp
Classification: Pathogenic for Hereditary breast ovarian cancer syndrome. Last evaluated: 2024-07-15. Review status: criteria provided, single submitter. Criteria: Invitae Variant Classification Sherloc (09022015). Collection method: clinical testing. Allele origin: germline.
Comment: This sequence change creates a premature translational stop signal (p.Thr152Serfs*7) in the BRCA2 gene. It is expected to result in an absent or disrupted protein product. Loss-of-function variants in BRCA2 are known to be pathogenic (PMID: 20104584). This variant is not present in population databases (gnomAD no frequency). This variant has not been reported in the literature in individuals affected with BRCA2-related conditions. ClinVar contains an entry for this variant (Variation ID: 1741121). Algorithms developed to predict the effect of sequence changes on RNA splicing suggest that this variant may disrupt the consensus splice site. For these reasons, this variant has been classified as Pathogenic.

Ambry Genetics
Classification: Pathogenic for Hereditary cancer-predisposing syndrome. Last evaluated: 2021-04-26. Review status: criteria provided, single submitter. Criteria: Ambry Variant Classification Scheme 2023. Collection method: clinical testing. Allele origin: germline.
Comment: The c.451_454dupGTAA pathogenic mutation, located in coding exon 4 of the BRCA2 gene, results from a duplication of GTAA at nucleotide position 451, causing a translational frameshift with a predicted alternate stop codon (p.T152Sfs*7). This variant was reported in 1/60,466 breast cancer cases and in 0/53,461 controls (Dorling et al. N Engl J Med. 2021 02;384:428-439). In addition to the clinical data presented in the literature, this alteration is expected to result in loss of function by premature protein truncation or nonsense-mediated mRNA decay. As such, this alteration is interpreted as a disease-causing mutation.

Literature cited by the submitters: PubMed 20104584 (cited by Labcorp Genetics (formerly Invitae), Labcorp); PubMed 33471991 (cited by Ambry Genetics).